The following is an entry in ClinVar:

NM_057176.3(BSND):c.429C>T (p.Thr143=)

Gene: BSND (barttin CLCNK type accessory subunit beta; plus strand). Cytogenetic location: 1p32.3.
Variant type: single nucleotide variant.
Coding change: c.429C>T on transcript NM_057176.3 (MANE Select); coding-DNA position 429, C replaced by T.
Protein change: p.Thr143=; no amino-acid change (threonine 143 retained).
Molecular consequence: synonymous variant.
Genome position (GRCh38, 1-based): chr1:55,007,153, C>T. VCF-style: chr1-55007153-C-T. GRCh37 (hg19) VCF-style: chr1-55472826-C-T.
Other names: c.429C>T (NM_057176.2).
Identifiers: ClinVar variation 1086752 (VCV001086752.11), dbSNP rs775406885, ClinGen allele CA871334.

ClinVar aggregate classification (germline): Conflicting classifications of pathogenicity. Review status: criteria provided, conflicting classifications (1 of 4 stars). 3 submissions from 3 submitters: Uncertain significance (1); Likely benign (2). Last evaluated 2025-04-03.

Conditions:
BSND-related disorder. Also called: BSND-related condition.

Allele frequency attached by ClinVar (database versions not stated): ExAC 0.00001; gnomAD exomes 0.00001 and 0.00003; gnomAD 0.00002; TOPMed 0.00011.
gnomAD v4.1: 16 of 1,614,086 alleles (0.00099%); highest among the groups gnomAD compares: Admixed American, 0.018%; no homozygotes.

Submissions (3):

GeneDx
Classification: Uncertain significance. Last evaluated: 2025-04-03. Review status: criteria provided, single submitter. Criteria: GeneDx Variant Classification Process June 2021. Collection method: clinical testing. Allele origin: germline. Affected: yes.
Comment: In silico analysis indicates that this variant does not alter splicing; Has not been previously published as pathogenic or benign to our knowledge

PreventionGenetics, part of Exact Sciences
Classification: Likely benign for BSND-related condition. Last evaluated: 2025-03-12. Review status: criteria provided, single submitter. Criteria: ACMG Guidelines, 2015. Collection method: clinical testing. Allele origin: germline.
Comment: This variant is classified as likely benign based on ACMG/AMP sequence variant interpretation guidelines (Richards et al. 2015 PMID: 25741868, with internal and published modifications).

Labcorp Genetics (formerly Invitae), Labcorp
Classification: Likely benign. Last evaluated: 2024-03-29. Review status: criteria provided, single submitter. Criteria: Invitae Variant Classification Sherloc (09022015). Collection method: clinical testing. Allele origin: germline.